The following is an entry in ClinVar:

NM_007272.3(CTRC):c.748G>A (p.Val250Ile)

Gene: CTRC (chymotrypsin C; plus strand). Cytogenetic location: 1p36.21.
Variant type: single nucleotide variant.
Coding change: c.748G>A on transcript NM_007272.3 (MANE Select); coding-DNA position 748, G replaced by A.
Protein change: p.Val250Ile; replaces valine 250 with isoleucine.
Molecular consequence: missense variant.
Genome position (GRCh38, 1-based): chr1:15,445,705, G>A. VCF-style: chr1-15445705-G-A. GRCh37 (hg19) VCF-style: chr1-15772200-G-A.
Other names: short protein forms V250I.
Identifiers: ClinVar variation 4559957 (VCV004559957.1).

ClinVar aggregate classification (germline): Uncertain significance (1 of 4 stars; one submission).

Conditions:
Hereditary pancreatitis (PCTT). Also called: Hereditary chronic pancreatitis; PRSS1-Related Hereditary Pancreatitis. Identifiers: Orphanet 676, MedGen C0238339, MONDO:0008185, OMIM 167800.

Submission:

Ambry Genetics
Classification: Uncertain significance for Hereditary pancreatitis. Last evaluated: 2025-09-20. Review status: criteria provided, single submitter. Criteria: Ambry Variant Classification Scheme 2023. Collection method: clinical testing. Allele origin: germline.
Comment: The p.V250I variant (also known as c.748G>A), located in coding exon 7 of the CTRC gene, results from a G to A substitution at nucleotide position 748. The valine at codon 250 is replaced by isoleucine, an amino acid with highly similar properties. This amino acid position is conserved. In addition, this alteration is predicted to be tolerated by in silico analysis. Based on the available evidence, the clinical significance of this variant remains unclear.